The following is an entry in ClinVar:

ClinVar aggregate classification (germline): Uncertain significance (1 of 4 stars; one submission).

gnomAD v4.1: 2 of 1,606,034 alleles (0.00012%); highest among the groups gnomAD compares: Non-Finnish European, 0.00017%; no homozygotes.

Submission:

Labcorp Genetics (formerly Invitae), Labcorp
Classification: Uncertain significance. Last evaluated: 2025-03-16. Review status: criteria provided, single submitter. Criteria: Invitae Variant Classification Sherloc (09022015). Collection method: clinical testing. Allele origin: germline.
Comment: This sequence change replaces serine, which is neutral and polar, with threonine, which is neutral and polar, at codon 194 of the STEAP3 protein (p.Ser194Thr). This variant is not present in population databases (gnomAD no frequency). This variant has not been reported in the literature in individuals affected with STEAP3-related conditions. An algorithm developed to predict the effect of missense changes on protein structure and function (PolyPhen-2) suggests that this variant is likely to be tolerated. In summary, the available evidence is currently insufficient to determine the role of this variant in disease. Therefore, it has been classified as a Variant of Uncertain Significance.

NM_182915.3(STEAP3):c.610T>A (p.Ser204Thr)

Genes: STEAP3 (STEAP3 metalloreductase; plus strand), STEAP3-AS1 (STEAP3 antisense RNA 1; minus strand). Cytogenetic location: 2q14.2.
Variant type: single nucleotide variant.
Coding change: c.610T>A on transcript NM_182915.3 (MANE Select); coding-DNA position 610, T replaced by A.
Protein change: p.Ser204Thr; replaces serine 204 with threonine.
Molecular consequence: missense variant.
Genome position (GRCh38, 1-based): chr2:119,247,766, T>A. VCF-style: chr2-119247766-T-A. GRCh37 (hg19) VCF-style: chr2-120005342-T-A.
Other names: c.580T>A, p.Ser194Thr (NM_001008410.2, NM_018234.3, NM_138637.3); short protein forms S194T, S204T.
Identifiers: ClinVar variation 4778710 (VCV004778710.1).